The following is an entry in ClinVar:

NM_000059.4(BRCA2):c.4372C>G (p.His1458Asp)

Gene: BRCA2 (BRCA2 DNA repair associated; plus strand). Cytogenetic location: 13q13.1.
Variant type: single nucleotide variant.
Coding change: c.4372C>G on transcript NM_000059.4 (MANE Select); coding-DNA position 4372, C replaced by G.
Protein change: p.His1458Asp; replaces histidine 1458 with aspartic acid.
Molecular consequence: missense variant.
Genome position (GRCh38, 1-based): chr13:32,338,727, C>G. VCF-style: chr13-32338727-C-G. GRCh37 (hg19) VCF-style: chr13-32912864-C-G.
Other names: c.4372C>G, p.His1458Asp (NM_001406719.1, NM_001406720.1); short protein forms H1458D.
Identifiers: ClinVar variation 1740100 (VCV001740100.4), dbSNP rs80358672, ClinGen allele CA387781010.
Genomic context (GRCh38, chr13:32,338,727, plus strand): 5'-GTCGCCAAAGAGTCATTTAATAAAATTGTAAATTTCTTTGATCAGAAACCAGAAGAATTG[C>G]ATAACTTTTCCTTAAATTCTGAATTACATTCTGACATAAGAAAGAACAAAATGGACATTC-3'
Protein context (NP_000050.3, residues 1448-1468): NFFDQKPEEL[His1458Asp]NFSLNSELHS

ClinVar aggregate classification (germline): Conflicting classifications of pathogenicity. Review status: criteria provided, conflicting classifications (1 of 4 stars). 2 submissions from 2 submitters: Uncertain significance (1); Likely benign (1). Last evaluated 2023-03-23.

Conditions:
Hereditary cancer-predisposing syndrome. Also called: Hereditary Cancer Syndrome; Hereditary neoplastic syndrome; Neoplastic Syndromes, Hereditary; Tumor predisposition. Identifiers: Orphanet 140162, MedGen C0027672, MeSH D009386, MONDO:0015356.

Submissions (2):

University of Washington Department of Laboratory Medicine, University of Washington
Classification: Likely benign for Hereditary cancer-predisposing syndrome. Last evaluated: 2023-03-23. Review status: criteria provided, single submitter. Criteria: Dines et al. (Genet Med. 2020). Collection method: curation. Allele origin: germline.
Comment: Missense variant in a coldspot region where missense variants are very unlikely to be pathogenic (PMID:31911673).

BRCA2 exon 11 coldspot. Reclassification based on statistical prior probability.

Ambry Genetics
Classification: Uncertain significance for Hereditary cancer-predisposing syndrome. Last evaluated: 2022-09-08. Review status: criteria provided, single submitter. Criteria: Ambry Variant Classification Scheme 2023. Collection method: clinical testing. Allele origin: germline.
Comment: The p.H1458D variant (also known as c.4372C>G), located in coding exon 10 of the BRCA2 gene, results from a C to G substitution at nucleotide position 4372. The histidine at codon 1458 is replaced by aspartic acid, an amino acid with similar properties. This amino acid position is conserved. In addition, this alteration is predicted to be tolerated by in silico analysis. Since supporting evidence is limited at this time, the clinical significance of this alteration remains unclear.